The following is an entry in ClinVar:

NM_152383.5(DIS3L2):c.639G>T (p.Glu213Asp)

Gene: DIS3L2 (DIS3 like 3'-5' exoribonuclease 2; plus strand). Cytogenetic location: 2q37.1.
Variant type: single nucleotide variant.
Coding change: c.639G>T on transcript NM_152383.5 (MANE Select); coding-DNA position 639, G replaced by T.
Protein change: p.Glu213Asp; replaces glutamic acid 213 with aspartic acid.
Molecular consequence: missense variant. On other transcripts: non-coding transcript variant (2).
Genome position (GRCh38, 1-based): chr2:232,130,656, G>T. VCF-style: chr2-232130656-G-T. GRCh37 (hg19) VCF-style: chr2-232995366-G-T.
Other names: c.639G>T, p.Glu213Asp (NM_001257281.2, NM_001257282.2); short protein forms E213D.
Identifiers: ClinVar variation 531941 (VCV000531941.8), dbSNP rs1553609842, ClinGen allele CA351153163.
Genomic context (GRCh38, chr2:232,130,656, plus strand): 5'-CTCTCTTTATCTTTTTAATGTAGGAAGAGAGGATGGTGATGCACCGGTTACAAAAGATGA[G>T]ACCACCTGCATTTCACAAGACACAAGAGCTTTATCGGAGAAATCCCTGCAAAGATCAGCA-3'
Protein context (NP_689596.4, residues 203-223): EDGDAPVTKD[Glu213Asp]TTCISQDTRA

ClinVar aggregate classification (germline): Uncertain significance (1 of 4 stars; one submission).

Conditions:
Perlman syndrome (PRLMNS). Identifiers: Orphanet 2849, MedGen C0796113, MONDO:0009965, OMIM 267000.

Submission:

Labcorp Genetics (formerly Invitae), Labcorp
Classification: Uncertain significance for Perlman syndrome. Last evaluated: 2022-02-21. Review status: criteria provided, single submitter. Criteria: Invitae Variant Classification Sherloc (09022015). Collection method: clinical testing. Allele origin: germline.
Comment: This sequence change replaces glutamic acid, which is acidic and polar, with aspartic acid, which is acidic and polar, at codon 213 of the DIS3L2 protein (p.Glu213Asp). This variant is not present in population databases (gnomAD no frequency). This variant has not been reported in the literature in individuals affected with DIS3L2-related conditions. ClinVar contains an entry for this variant (Variation ID: 531941). Algorithms developed to predict the effect of missense changes on protein structure and function (SIFT, PolyPhen-2, Align-GVGD) all suggest that this variant is likely to be tolerated. In summary, the available evidence is currently insufficient to determine the role of this variant in disease. Therefore, it has been classified as a Variant of Uncertain Significance.